The following is an entry in ClinVar:

NM_000426.4(LAMA2):c.7280T>C (p.Leu2427Pro)

Gene: LAMA2 (laminin subunit alpha 2; plus strand). Cytogenetic location: 6q22.33.
Variant type: single nucleotide variant.
Coding change: c.7280T>C on transcript NM_000426.4 (MANE Select); coding-DNA position 7280, T replaced by C.
Protein change: p.Leu2427Pro; replaces leucine 2427 with proline.
Molecular consequence: missense variant.
Genome position (GRCh38, 1-based): chr6:129,465,269, T>C. VCF-style: chr6-129465269-T-C. GRCh37 (hg19) VCF-style: chr6-129786414-T-C.
Other names: c.7280T>C, p.Leu2427Pro (NM_001079823.2); short protein forms L2427P.
Identifiers: ClinVar variation 2193399 (VCV002193399.1), dbSNP rs1783483545, ClinGen allele CA365622168.

ClinVar aggregate classification (germline): Uncertain significance (1 of 4 stars; one submission).

Conditions:
LAMA2-related muscular dystrophy (LAMA2-RD). Also called: Laminin alpha 2-related dystrophy. Identifiers: MedGen C5679788, MONDO:0100228.

Allele frequency attached by ClinVar (database versions not stated): TOPMed below 0.00001.

Submission:

Labcorp Genetics (formerly Invitae), Labcorp
Classification: Uncertain significance for LAMA2-related muscular dystrophy. Last evaluated: 2021-09-17. Review status: criteria provided, single submitter. Criteria: Invitae Variant Classification Sherloc (09022015). Collection method: clinical testing. Allele origin: germline.
Comment: This sequence change replaces leucine with proline at codon 2427 of the LAMA2 protein (p.Leu2427Pro). The leucine residue is moderately conserved and there is a moderate physicochemical difference between leucine and proline. This variant is not present in population databases (ExAC no frequency). This variant has not been reported in the literature in individuals with LAMA2-related conditions. Algorithms developed to predict the effect of missense changes on protein structure and function are either unavailable or do not agree on the potential impact of this missense change (SIFT: "Deleterious"; PolyPhen-2: "Probably Damaging"; Align-GVGD: "Class C0"). In summary, the available evidence is currently insufficient to determine the role of this variant in disease. Therefore, it has been classified as a Variant of Uncertain Significance.